The following is an entry in ClinVar:

ClinVar aggregate classification (germline): Conflicting classifications of pathogenicity. Review status: criteria provided, conflicting classifications (1 of 4 stars). 5 submissions from 5 submitters: Uncertain significance (4); Likely benign (1). Last evaluated 2026-02-19.

Conditions:
KIF1A-related disorder. Also called: KIF1A-related disorders; KIF1A-related condition.
Neuropathy, hereditary sensory, type 2C. Also called: Hereditary sensory and autonomic neuropathy type IIC; KIF1A-Related HSAN2 (HSAN2C). Identifiers: Orphanet 970, MedGen C3280168, MONDO:0013634, OMIM 614213.
Intellectual disability, autosomal dominant 9 (NESCAVS). Also called: NESCAV SYNDROME; KIF1A-Related Neurodevelopmental Disorder. Identifiers: Orphanet 662367, MedGen C5393830, MONDO:0013656, OMIM 614255.
Hereditary spastic paraplegia 30. Identifiers: Orphanet 101010, MedGen C5235139, MONDO:0012476.
Inborn genetic diseases. Identifiers: MedGen C0950123, MeSH D030342.

Allele frequency attached by ClinVar (database versions not stated): gnomAD 0.00001; gnomAD exomes 0.00001; ExAC 0.00002.
gnomAD v4.1: 14 of 1,612,436 alleles (0.00087%); highest among the groups gnomAD compares: Middle Eastern, 0.017%; no homozygotes.

Submissions (5):

PreventionGenetics, part of Exact Sciences
Classification: Uncertain significance for KIF1A-related condition. Last evaluated: 2026-02-19. Review status: criteria provided, single submitter. Criteria: ACMG Guidelines, 2015. Collection method: clinical testing. Allele origin: germline.
Comment: The KIF1A c.3457G>A variant is predicted to result in the amino acid substitution p.Val1153Ile. To our knowledge, this variant has not been reported in the literature. This variant is reported in 0.0033% of alleles in individuals of South Asian descent in gnomAD. At this time, the clinical significance of this variant is uncertain due to the absence of conclusive functional and genetic evidence.

Women's Health and Genetics/Laboratory Corporation of America, LabCorp
Classification: Uncertain significance. Last evaluated: 2024-09-24. Review status: criteria provided, single submitter. Criteria: LabCorp Variant Classification Summary - May 2015. Collection method: clinical testing. Allele origin: germline.
Comment: Variant summary: KIF1A c.3154G>A (p.Val1052Ile) results in a conservative amino acid change in the encoded protein sequence. Three of five in-silico tools predict a damaging effect of the variant on protein function. The variant allele was found at a frequency of 1.2e-05 in 248198 control chromosomes. The available data on variant occurrences in the general population are insufficient to allow any conclusion about variant significance. To our knowledge, no occurrence of c.3154G>A in individuals affected with NESCAV Syndrome and no experimental evidence demonstrating its impact on protein function have been reported. ClinVar contains an entry for this variant (Variation ID: 1728222). Based on the evidence outlined above, the variant was classified as uncertain significance.

Labcorp Genetics (formerly Invitae), Labcorp
Classification: Likely benign for Hereditary spastic paraplegia 30; Neuropathy, hereditary sensory, type 2C; Intellectual disability, autosomal dominant 9. Last evaluated: 2024-04-16. Review status: criteria provided, single submitter. Criteria: Invitae Variant Classification Sherloc (09022015). Collection method: clinical testing. Allele origin: germline.

Blueprint Genetics
Classification: Uncertain significance. Last evaluated: 2021-06-24. Review status: criteria provided, single submitter. Criteria: ACMG Guidelines, 2015. Collection method: clinical testing. Allele origin: germline.

Ambry Genetics
Classification: Uncertain significance for Inborn genetic diseases. Last evaluated: 2019-03-18. Review status: criteria provided, single submitter. Criteria: Ambry Variant Classification Scheme 2023. Collection method: clinical testing. Allele origin: germline.
Comment: The p.V1052I variant (also known as c.3154G>A), located in coding exon 29 of the KIF1A gene, results from a G to A substitution at nucleotide position 3154. The valine at codon 1052 is replaced by isoleucine, an amino acid with highly similar properties. This amino acid position is highly conserved in available vertebrate species. In addition, the in silico prediction for this alteration is inconclusive. Since supporting evidence is limited at this time, the clinical significance of this alteration remains unclear.

NM_001244008.2(KIF1A):c.3457G>A (p.Val1153Ile)

Gene: KIF1A (kinesin family member 1A; minus strand). Cytogenetic location: 2q37.3.
Variant type: single nucleotide variant.
Coding change: c.3457G>A on transcript NM_001244008.2 (MANE Select); coding-DNA position 3457, G replaced by A.
Protein change: p.Val1153Ile; replaces valine 1153 with isoleucine.
Molecular consequence: missense variant.
Genome position (GRCh38, 1-based): chr2:240,745,435, C>T on the plus strand (G>A on the coding strand, the complement: KIF1A is on the minus strand). VCF-style: chr2-240745435-C-T. GRCh37 (hg19) VCF-style: chr2-241684852-C-T.
Other names: c.3181G>A, p.Val1061Ile (NM_001320705.2, NM_001330289.2, NM_001379638.1); c.3256G>A, p.Val1086Ile (NM_001330290.2, NM_001379634.1, NM_001379635.1 and 1 more transcripts); c.3532G>A, p.Val1178Ile (NM_001379631.1); c.3406G>A, p.Val1136Ile (NM_001379632.1); c.3430G>A, p.Val1144Ile (NM_001379633.1, NM_001379642.1, NM_001379645.1); c.3154G>A, p.Val1052Ile (NM_001379636.1, NM_001379639.1, NM_001379641.1 and 6 more transcripts); c.3229G>A, p.Val1077Ile (NM_001379637.1, NM_001379648.1); c.3151G>A, p.Val1051Ile (NM_001379640.1); short protein forms V1086I, V1144I, V1051I, V1052I, V1153I, V1077I, V1061I, V1136I.
Identifiers: ClinVar variation 1728222 (VCV001728222.10), dbSNP rs530210018, ClinGen allele CA2207809.